The following is an entry in ClinVar:

NM_000540.3(RYR1):c.10336del (p.Ser3446fs)

Gene: RYR1 (ryanodine receptor 1; plus strand). Cytogenetic location: 19q13.2.
Variant type: Deletion.
Coding change: c.10336del on transcript NM_000540.3 (MANE Select); coding-DNA position 10336, one base deleted (T; older notation c.10336delT).
Protein change: p.Ser3446fs; shifts the reading frame from serine 3446.
Molecular consequence: frameshift variant.
Genome position (GRCh38, 1-based): chr19:38,523,104, T deleted. VCF-style (leftmost placement, unchanged base first): chr19-38523103-GT-G. GRCh37 (hg19) VCF-style: chr19-39013743-GT-G.
Other names: c.10336del, p.Ser3446fs (NM_001042723.2); short protein forms S3446fs.
Identifiers: ClinVar variation 3392480 (VCV003392480.2).

ClinVar aggregate classification (germline): Likely pathogenic (1 of 4 stars; one submission).

Conditions:
Congenital multicore myopathy with external ophthalmoplegia (CMYO1B). Also called: MULTICORE MYOPATHY; MULTIMINICORE DISEASE WITH EXTERNAL OPHTHALMOPLEGIA; Minicore myopathy with external ophthalmoplegia; Congenital myopathy 1B, autosomal recessive; Minicore myopathy. Identifiers: Orphanet 598, Orphanet 98905, MedGen C1850674, MONDO:0009712, OMIM 255320, HP:0003789.

Submission:

Juno Genomics, Hangzhou Juno Genomics, Inc
Classification: Likely pathogenic for Congenital multicore myopathy with external ophthalmoplegia. Review status: criteria provided, single submitter. Criteria: ACMG Guidelines, 2015. Collection method: clinical testing. Allele origin: germline. Affected: yes.
Comment: Absent from controls (or at extremely low frequency if recessive) in Genome Aggregation Database, Exome Sequencing Project, 1000 Genomes Project, or Exome Aggregation Consortium.;Null variant in a gene where loss of function (LOF) is a known mechanism of disease.